The following is an entry in ClinVar:

NM_002471.4(MYH6):c.1796A>T (p.Lys599Met)

Gene: MYH6 (myosin heavy chain 6; minus strand). Cytogenetic location: 14q11.2.
Variant type: single nucleotide variant.
Coding change: c.1796A>T on transcript NM_002471.4 (MANE Select); coding-DNA position 1796, A replaced by T.
Protein change: p.Lys599Met; replaces lysine 599 with methionine.
Molecular consequence: missense variant.
Genome position (GRCh38, 1-based): chr14:23,398,823, T>A on the plus strand (A>T on the coding strand, the complement: MYH6 is on the minus strand). VCF-style: chr14-23398823-T-A. GRCh37 (hg19) VCF-style: chr14-23868032-T-A.
Other names: short protein forms K599M.
Identifiers: ClinVar variation 2579503 (VCV002579503.1), dbSNP rs201855741, ClinGen allele CA7115710.

ClinVar aggregate classification (germline): Uncertain significance (1 of 4 stars; one submission).

Allele frequency attached by ClinVar (database versions not stated): ExAC 0.00001; gnomAD 0.00001; 1000 Genomes Project 30x 0.00016; 1000 Genomes Project 0.00020.
gnomAD v4.1: 1 of 1,614,170 alleles (0.000062%); highest among the groups gnomAD compares: African/African-American, 0.0013%; no homozygotes.

Submission:

GeneDx
Classification: Uncertain significance. Last evaluated: 2023-03-06. Review status: criteria provided, single submitter. Criteria: GeneDx Variant Classification Process June 2021. Collection method: clinical testing. Allele origin: germline. Affected: yes.
Comment: Has not been previously published as pathogenic or benign to our knowledge; Not observed at significant frequency in large population cohorts (gnomAD); In silico analysis supports that this missense variant has a deleterious effect on protein structure/function